The following is an entry in ClinVar:

ClinVar aggregate classification (germline): Benign/Likely benign. Review status: criteria provided, multiple submitters, no conflicts (2 of 4 stars). 3 submissions from 3 submitters: Benign (1); Likely benign (1). 1 of the submissions does not count toward it. Last evaluated 2026-08-01.

Conditions:
CCDC88A-related disorder. Also called: CCDC88A-related condition.

Allele frequency attached by ClinVar (database versions not stated): 1000 Genomes Project 0.00060; 1000 Genomes Project 30x 0.00078; TOPMed 0.00167; gnomAD 0.00170 and 0.00176; ESP Exome Variant Server 0.00193; ExAC 0.00197; gnomAD exomes 0.00210 and 0.00212.
gnomAD v4.1: 3,169 of 1,533,236 alleles (0.21%); highest among the groups gnomAD compares: Middle Eastern, 0.47%; 6 homozygotes.

Submissions (3):

CeGaT Center for Human Genetics Tuebingen
Classification: Likely benign. Last evaluated: 2026-08-01. Review status: criteria provided, single submitter. Criteria: CeGaT Center For Human Genetics Tuebingen Variant Classification Criteria Version 2. Collection method: clinical testing. Allele origin: germline. Affected: yes. Observed: 6 variant alleles.
Comment: CCDC88A: BP4, BP7

Labcorp Genetics (formerly Invitae), Labcorp
Classification: Benign. Last evaluated: 2026-02-02. Review status: criteria provided, single submitter. Criteria: Invitae Variant Classification Sherloc (09022015). Collection method: clinical testing. Allele origin: germline.

PreventionGenetics, part of Exact Sciences
Classification: Benign for CCDC88A-related condition. Last evaluated: 2019-06-20. Review status: no assertion criteria provided. Collection method: clinical testing. Allele origin: germline. Not counted in ClinVar's aggregate classification.
Comment: This variant is classified as benign based on ACMG/AMP sequence variant interpretation guidelines (Richards et al. 2015 PMID: 25741868, with internal and published modifications).

NM_001365480.1(CCDC88A):c.237A>G (p.Leu79=)

Gene: CCDC88A (coiled-coil and HOOK domain protein 88A; minus strand). Cytogenetic location: 2p16.1.
Variant type: single nucleotide variant.
Coding change: c.237A>G on transcript NM_001365480.1 (MANE Select); coding-DNA position 237, A replaced by G.
Protein change: p.Leu79=; no amino-acid change (leucine 79 retained).
Molecular consequence: synonymous variant.
Genome position (GRCh38, 1-based): chr2:55,388,814, T>C on the plus strand (A>G on the coding strand, the complement: CCDC88A is on the minus strand). VCF-style: chr2-55388814-T-C. GRCh37 (hg19) VCF-style: chr2-55615950-T-C.
Other names: c.237A>G, p.Leu79= (NM_001135597.2, NM_001254943.2, NM_018084.5).
Identifiers: ClinVar variation 781805 (VCV000781805.26), dbSNP rs147639776, ClinGen allele CA1666465.
Genomic context (GRCh38, chr2:55,388,814, plus strand): 5'-CAGATTTTTAAAAAGAGCACTTACCTGGTAATAAAATTTTATCTGTCTCACCAAAATGGA[T>C]AGATTGTGCATTCTAAGTGAGGCATCATTATTGACTTTTTTATTTACTCTCTGACTCTCC-3'
Protein context (NP_001352409.1, residues 69-89): NNDASLRMHN[Leu79=]SILVRQIKFY